The following is an entry in ClinVar:

ClinVar aggregate classification (germline): Conflicting classifications of pathogenicity. Review status: criteria provided, conflicting classifications (1 of 4 stars). 7 submissions from 7 submitters: Likely pathogenic (3); Uncertain significance (4). Last evaluated 2026-09-10.

Conditions:
Walker-Warburg congenital muscular dystrophy. Also called: Muscular dystrophy-dystroglycanopathy, type A; Walker-Warburg syndrome. Identifiers: Orphanet 899, MedGen C0265221, MONDO:0000171.
Autosomal recessive limb-girdle muscular dystrophy type 2K. Also called: MUSCULAR DYSTROPHY, LIMB-GIRDLE, TYPE 2K; MUSCULAR DYSTROPHY-DYSTROGLYCANOPATHY (LIMB-GIRDLE), TYPE C, 1. Identifiers: Orphanet 86812, MedGen C1836373, MONDO:0012248, OMIM 609308.
Muscular dystrophy-dystroglycanopathy (congenital with impaired intellectual development), type B, 1. Also called: MUSCULAR DYSTROPHY, CONGENITAL, POMT1-RELATED; Muscular dystrophy-dystroglycanopathy (congenital with intellectual disability), type B1. Identifiers: MedGen C5436962, MONDO:0013159, OMIM 613155.
POMT1-related disorder. Also called: POMT1-related disorders; POMT1-related condition.
Muscular dystrophy-dystroglycanopathy (congenital with brain and eye anomalies), type A1 (MDDGA1). Also called: COD-MD SYNDROME; WALKER-WARBURG SYNDROME OR MUSCLE-EYE-BRAIN DISEASE, POMT1-RELATED; Hydrocephalus, agyria and retinal dysplasia; Hard +/- E syndrome; Warburg syndrome; Chemke syndrome. Identifiers: Orphanet 588, Orphanet 899, MedGen C4284790, MONDO:0009364, OMIM 236670.

Allele frequency attached by ClinVar (database versions not stated): gnomAD exomes 0.00002; ExAC 0.00002; gnomAD 0.00007 and 0.00008; ESP Exome Variant Server 0.00015; TOPMed 0.00008.
gnomAD v4.1: 46 of 1,614,070 alleles (0.0028%); highest among the groups gnomAD compares: African/African-American, 0.016%; no homozygotes.

Submissions (7):

PreventionGenetics, part of Exact Sciences
Classification: Likely pathogenic for POMT1-related condition. Last evaluated: 2026-09-10. Review status: criteria provided, single submitter. Criteria: ACMG Guidelines, 2015. Collection method: clinical testing. Allele origin: germline.
Comment: The POMT1 c.818C>T variant is predicted to result in the amino acid substitution p.Pro273Leu. This variant was reported in an individual with Walker-Warburg syndrome (reported as c.997C>T (p.Pro273Leu) in Table S1, Willer et al. 2012. PubMed ID: 22522420; Varagur et al. 2022. PubMed ID: 34801143). This variant was also reported in the homozygous state in a fetus with hydrocephalus and additional brain malformations (See #28697). This variant has also been associated with limb girdle muscular dystrophies, but further information was not available (Table S2, Di Fruscio et al. 2015. PubMed ID: 25898921). Functional studies in patient-derived fibroblast cell lines suggest that this variant might affect normal protein function (reported as POMT1-WWS in Figure 5 and Table S1, Willer et al. 2012. PubMed ID: 22522420). At PreventionGenetics, we have observed the c818C>T variant in the homozygous state in an individual with hydrocephalus and another patient in the compound heterozygous state with a clear pathogenic, loss-of-function variant POMT1 variant (internal data). This variant is reported in 0.016% of alleles in individuals of African descent in gnomAD and is interpreted as likely pathogenic or uncertain significance in ClinVar (Variation ID: 95469). We interpret this variant as likely pathogenic.

Labcorp Genetics (formerly Invitae), Labcorp
Classification: Likely pathogenic for Muscular dystrophy-dystroglycanopathy (congenital with impaired intellectual development), type B, 1; Walker-Warburg congenital muscular dystrophy; Autosomal recessive limb-girdle muscular dystrophy type 2K. Last evaluated: 2025-12-01. Review status: criteria provided, single submitter. Criteria: Invitae Variant Classification Sherloc (09022015). Collection method: clinical testing. Allele origin: germline.
Comment: This sequence change replaces proline, which is neutral and non-polar, with leucine, which is neutral and non-polar, at codon 273 of the POMT1 protein (p.Pro273Leu). This variant is present in population databases (rs139660235, gnomAD 0.02%). This missense change has been observed in individual(s) with clinical features of muscular dystrophy-dystroglycanopathy (internal data). In at least one individual the data is consistent with being in trans (on the opposite chromosome) from a pathogenic variant. ClinVar contains an entry for this variant (Variation ID: 95469). Invitae Evidence Modeling of protein sequence and biophysical properties (such as structural, functional, and spatial information, amino acid conservation, physicochemical variation, residue mobility, and thermodynamic stability) indicates that this missense variant is expected to disrupt POMT1 protein function with a positive predictive value of 80%. In summary, the currently available evidence indicates that the variant is pathogenic, but additional data are needed to prove that conclusively. Therefore, this variant has been classified as Likely Pathogenic.

GeneDx
Classification: Uncertain significance. Last evaluated: 2024-03-16. Review status: criteria provided, single submitter. Criteria: GeneDx Variant Classification Process June 2021. Collection method: clinical testing. Allele origin: germline. Affected: yes.
Comment: Reported in a study on the pathogencity of variants associated with limb girdle muscular dystrophy; listed as variant seen in the Leiden Open Variation Database, but no additional information was provided (PMID: 25898921); In silico analysis supports that this missense variant has a deleterious effect on protein structure/function; This variant is associated with the following publications: (PMID: 34532947, 22522420, 25898921)

Baylor Genetics
Classification: Likely pathogenic for Muscular dystrophy-dystroglycanopathy (congenital with brain and eye anomalies), type A1. Last evaluated: 2024-03-04. Review status: criteria provided, single submitter. Criteria: ACMG Guidelines, 2015. Collection method: clinical testing. Allele origin: unknown.

Revvity Omics, Revvity
Classification: Uncertain significance. Last evaluated: 2022-03-02. Review status: criteria provided, single submitter. Criteria: ACMG Guidelines, 2015. Collection method: clinical testing. Allele origin: germline.

Fulgent Genetics
Classification: Uncertain significance for Muscular dystrophy-dystroglycanopathy (congenital with brain and eye anomalies), type A1; Autosomal recessive limb-girdle muscular dystrophy type 2K; Muscular dystrophy-dystroglycanopathy (congenital with impaired intellectual development), type B, 1. Last evaluated: 2018-10-31. Review status: criteria provided, single submitter. Criteria: ACMG Guidelines, 2015. Collection method: clinical testing. Allele origin: unknown.

Eurofins Ntd Llc (ga)
Classification: Uncertain significance. Last evaluated: 2013-02-07. Review status: criteria provided, single submitter. Criteria: EGL Classification Definitions 2015. Collection method: clinical testing. Allele origin: germline. Observed: 2 variant alleles, 2 heterozygotes.

NM_001077365.2(POMT1):c.752C>T (p.Pro251Leu)

Gene: POMT1 (protein O-mannosyltransferase 1; plus strand). Cytogenetic location: 9q34.13.
Variant type: single nucleotide variant.
Coding change: c.752C>T on transcript NM_001077365.2 (MANE Select); coding-DNA position 752, C replaced by T.
Protein change: p.Pro251Leu; replaces proline 251 with leucine.
Molecular consequence: missense variant. On other transcripts: synonymous variant (1), non-coding transcript variant (10).
Genome position (GRCh38, 1-based): chr9:131,510,312, C>T. VCF-style: chr9-131510312-C-T. GRCh37 (hg19) VCF-style: chr9-134385699-C-T.
Other names: c.590C>T, p.Pro197Leu (NM_001077366.2, NM_001353194.2, NM_001374693.1); c.752C>T, p.Pro251Leu (NM_001136113.2, NM_001374690.1); c.401C>T, p.Pro134Leu (NM_001136114.2, NM_001353195.2, NM_001374691.1 and 1 more transcripts); c.818C>T, p.Pro273Leu (NM_001353193.2, NM_007171.4); c.662C>T, p.Pro221Leu (NM_001353196.2); c.656C>T, p.Pro219Leu (NM_001353197.2, NM_001353198.2); c.467C>T, p.Pro156Leu (NM_001353199.2); c.296C>T, p.Pro99Leu (NM_001353200.2); and 2 more; short protein forms P273L, P251L, P99L, P134L, P156L, P197L, P219L, P221L.
Identifiers: ClinVar variation 95469 (VCV000095469.24), dbSNP rs139660235, ClinGen allele CA223005.